The following is an entry in ClinVar:

NM_178335.3(CCDC50):c.976+5T>C

Gene: CCDC50 (coiled-coil domain containing 50; plus strand). Cytogenetic location: 3q28.
Variant type: single nucleotide variant.
Coding change: c.976+5T>C on transcript NM_178335.3 (MANE Select); 5 bases into the intron after coding-DNA position 976, T replaced by C.
Molecular consequence: intron variant.
Genome position (GRCh38, 1-based): chr3:191,375,594, T>C. VCF-style: chr3-191375594-T-C. GRCh37 (hg19) VCF-style: chr3-191093383-T-C.
Other names: c.449-4565T>C (NM_174908.4).
Identifiers: ClinVar variation 4780955 (VCV004780955.1).
Genomic context (GRCh38, chr3:191,375,594, plus strand): 5'-GCCCAGGACTCCTCCATTCTCAGAGAGTGAGGAGCAGCTCCACCTCCATGACGCAGGTAA[T>C]AGAGGACAGTCTCGATGGAAGTCCTGGTATCATGTATATAACTACAAACCAATGAATTTA-3'

ClinVar aggregate classification (germline): Uncertain significance (1 of 4 stars; one submission).

Submission:

Labcorp Genetics (formerly Invitae), Labcorp
Classification: Uncertain significance. Last evaluated: 2025-10-26. Review status: criteria provided, single submitter. Criteria: Invitae Variant Classification Sherloc (09022015). Collection method: clinical testing. Allele origin: germline.
Comment: This sequence change falls in intron 6 of the CCDC50 gene. It does not directly change the encoded amino acid sequence of the CCDC50 protein. It affects a nucleotide within the consensus splice site. This variant is not present in population databases (gnomAD no frequency). This variant has not been reported in the literature in individuals affected with CCDC50-related conditions. Variants that disrupt the consensus splice site are a relatively common cause of aberrant splicing (PMID: 17576681, 9536098). Algorithms developed to predict the effect of sequence changes on RNA splicing suggest that this variant is not likely to affect RNA splicing. In summary, the available evidence is currently insufficient to determine the role of this variant in disease. Therefore, it has been classified as a Variant of Uncertain Significance.

Literature cited by the submitters: PubMed 17576681; PubMed 9536098.